The following is an entry in ClinVar:

NM_001378454.1(ALMS1):c.8018A>G (p.Asp2673Gly)

Gene: ALMS1 (ALMS1 centrosome and basal body associated protein; plus strand). Cytogenetic location: 2p13.1.
Variant type: single nucleotide variant.
Coding change: c.8018A>G on transcript NM_001378454.1 (MANE Select); coding-DNA position 8018, A replaced by G.
Protein change: p.Asp2673Gly; replaces aspartic acid 2673 with glycine.
Molecular consequence: missense variant.
Genome position (GRCh38, 1-based): chr2:73,489,977, A>G. VCF-style: chr2-73489977-A-G. GRCh37 (hg19) VCF-style: chr2-73717104-A-G.
Other names: c.8021A>G, p.Asp2674Gly (NM_015120.4); short protein forms D2673G, D2674G.
Identifiers: ClinVar variation 1713387 (VCV001713387.4), dbSNP rs756382290, ClinGen allele CA1714391.

ClinVar aggregate classification (germline): Uncertain significance (1 of 4 stars; one submission).

Conditions:
Alstrom syndrome (ALMS). Identifiers: Orphanet 64, MedGen C0268425, MONDO:0008763, OMIM 203800.

Allele frequency attached by ClinVar (database versions not stated): ExAC 0.00001.

Submission:

Labcorp Genetics (formerly Invitae), Labcorp
Classification: Uncertain significance for Alstrom syndrome. Last evaluated: 2022-07-22. Review status: criteria provided, single submitter. Criteria: Invitae Variant Classification Sherloc (09022015). Collection method: clinical testing. Allele origin: germline.
Comment: In summary, the available evidence is currently insufficient to determine the role of this variant in disease. Therefore, it has been classified as a Variant of Uncertain Significance. This sequence change replaces aspartic acid, which is acidic and polar, with glycine, which is neutral and non-polar, at codon 2674 of the ALMS1 protein (p.Asp2674Gly). This variant is present in population databases (rs756382290, gnomAD 0.003%). This variant has not been reported in the literature in individuals affected with ALMS1-related conditions. Experimental studies and prediction algorithms are not available or were not evaluated, and the functional significance of this variant is currently unknown.